The following is an entry in ClinVar:

NM_198578.4(LRRK2):c.6643A>T (p.Ile2215Phe)

Gene: LRRK2 (leucine rich repeat kinase 2; plus strand). Cytogenetic location: 12q12.
Variant type: single nucleotide variant.
Coding change: c.6643A>T on transcript NM_198578.4 (MANE Select); coding-DNA position 6643, A replaced by T.
Protein change: p.Ile2215Phe; replaces isoleucine 2215 with phenylalanine.
Molecular consequence: missense variant.
Genome position (GRCh38, 1-based): chr12:40,354,365, A>T. VCF-style: chr12-40354365-A-T. GRCh37 (hg19) VCF-style: chr12-40748167-A-T.
Other names: short protein forms I2215F.
Identifiers: ClinVar variation 3229744 (VCV003229744.1), dbSNP rs1946462793, ClinGen allele CA384409003.
Genomic context (GRCh38, chr12:40,354,365, plus strand): 5'-GCTGATAGTAGAATATTGTGCTTAGCCTTGGTGCATCTTCCTGTTGAAAAGGAAAGCTGG[A>T]TTGTGTCTGGGACACAGTCTGGTACTCTCCTGGTCATCAATACCGAAGATGGGAAAAAGA-3'
Protein context (NP_940980.4, residues 2205-2225): VHLPVEKESW[Ile2215Phe]VSGTQSGTLL

ClinVar aggregate classification (germline): Uncertain significance (1 of 4 stars; one submission).

Conditions:
Inborn genetic diseases. Identifiers: MedGen C0950123, MeSH D030342.

Submission:

Ambry Genetics
Classification: Uncertain significance for Inborn genetic diseases. Last evaluated: 2023-11-23. Review status: criteria provided, single submitter. Criteria: Ambry Variant Classification Scheme 2023. Collection method: clinical testing. Allele origin: germline.
Comment: The p.I2215F variant (also known as c.6643A>T), located in coding exon 45 of the LRRK2 gene, results from an A to T substitution at nucleotide position 6643. The isoleucine at codon 2215 is replaced by phenylalanine, an amino acid with highly similar properties. This amino acid position is conserved. In addition, this alteration is predicted to be tolerated by in silico analysis. Since supporting evidence is limited at this time, the clinical significance of this alteration remains unclear.